The following is an entry in ClinVar:

NM_000051.4(ATM):c.1624T>G (p.Leu542Val)

Gene: ATM (ATM serine/threonine kinase; plus strand). Cytogenetic location: 11q22.3.
Variant type: single nucleotide variant.
Coding change: c.1624T>G on transcript NM_000051.4 (MANE Select); coding-DNA position 1624, T replaced by G.
Protein change: p.Leu542Val; replaces leucine 542 with valine.
Molecular consequence: missense variant.
Genome position (GRCh38, 1-based): chr11:108,251,853, T>G. VCF-style: chr11-108251853-T-G. GRCh37 (hg19) VCF-style: chr11-108122580-T-G.
Other names: p.L542V:TTG>GTG; c.1624T>G, p.Leu542Val (NM_001351834.2); short protein forms L542V.
Identifiers: ClinVar variation 140912 (VCV000140912.17), dbSNP rs587781366, ClinGen allele CA293991.

ClinVar aggregate classification (germline): Uncertain significance. Review status: criteria provided, multiple submitters, no conflicts (2 of 4 stars). 5 submissions from 5 submitters: Uncertain significance (5). Last evaluated 2025-10-15.

Conditions:
Diffuse midline glioma, H3 K27-altered. Identifiers: MedGen C5669877, MONDO:1060171.
Hereditary cancer-predisposing syndrome. Also called: Neoplastic Syndromes, Hereditary; Hereditary Cancer Syndrome; Hereditary neoplastic syndrome; Tumor predisposition. Identifiers: Orphanet 140162, MedGen C0027672, MeSH D009386, MONDO:0015356.
Ataxia-telangiectasia syndrome (AT). Also called: Cerebello-oculocutaneous telangiectasia; Immunodeficiency with ataxia telangiectasia; Ataxia-telangiectasia, complementation group D; AT, COMPLEMENTATION GROUP C; ATAXIA-TELANGIECTASIA, FRESNO VARIANT; ATAXIA-TELANGIECTASIA, COMPLEMENTATION GROUP A. Identifiers: Orphanet 100, MedGen C0004135, MONDO:0008840, OMIM 208900.

Allele frequency attached by ClinVar (database versions not stated): gnomAD exomes below 0.00001.
gnomAD v4.1: 2 of 1,613,852 alleles (0.00012%); highest among the groups gnomAD compares: Non-Finnish European, 0.00017%; no homozygotes.

Submissions (5):

Labcorp Genetics (formerly Invitae), Labcorp
Classification: Uncertain significance for Ataxia-telangiectasia syndrome. Last evaluated: 2025-10-15. Review status: criteria provided, single submitter. Criteria: Invitae Variant Classification Sherloc (09022015). Collection method: clinical testing. Allele origin: germline.
Comment: This sequence change replaces leucine, which is neutral and non-polar, with valine, which is neutral and non-polar, at codon 542 of the ATM protein (p.Leu542Val). This variant is not present in population databases (gnomAD no frequency). This variant has not been reported in the literature in individuals affected with ATM-related conditions. ClinVar contains an entry for this variant (Variation ID: 140912). Invitae Evidence Modeling of protein sequence and biophysical properties (such as structural, functional, and spatial information, amino acid conservation, physicochemical variation, residue mobility, and thermodynamic stability) indicates that this missense variant is not expected to disrupt ATM protein function with a negative predictive value of 95%. In summary, the available evidence is currently insufficient to determine the role of this variant in disease. Therefore, it has been classified as a Variant of Uncertain Significance.

Color Diagnostics, LLC DBA Color Health
Classification: Uncertain significance for Hereditary cancer-predisposing syndrome. Last evaluated: 2024-04-15. Review status: criteria provided, single submitter. Criteria: ACMG Guidelines, 2015. Collection method: clinical testing. Allele origin: germline.
Comment: This missense variant replaces leucine with valine at codon 542 of the ATM protein. Computational prediction suggests that this variant may not impact protein structure and function (internally defined REVEL score threshold <= 0.5, PMID: 27666373). To our knowledge, functional studies have not been reported for this variant. This variant has not been reported in individuals affected with ATM-related disorders in the literature. This variant has not been identified in the general population by the Genome Aggregation Database (gnomAD). The available evidence is insufficient to determine the role of this variant in disease conclusively. Therefore, this variant is classified as a Variant of Uncertain Significance.

Ambry Genetics
Classification: Uncertain significance for Hereditary cancer-predisposing syndrome. Last evaluated: 2024-01-27. Review status: criteria provided, single submitter. Criteria: Ambry Variant Classification Scheme 2023. Collection method: clinical testing. Allele origin: germline.
Comment: The p.L542V variant (also known as c.1624T>G), located in coding exon 10 of the ATM gene, results from a T to G substitution at nucleotide position 1624. The leucine at codon 542 is replaced by valine, an amino acid with highly similar properties. This variant was not reported in population based cohorts in the following databases: Database of Single Nucleotide Polymorphisms (dbSNP), NHLBI Exome Sequencing Project (ESP), and 1000 Genomes Project. In the ESP, this variant was not observed in 6,499 samples (12,998 alleles) with coverage at this position. To date, this alteration has been detected with an allele frequency of approximately 0.002% (greater than 180000 alleles tested) in our clinical cohort. This amino acid position is highly conserved in available vertebrate species. In addition, the in silico prediction for this alteration is inconclusive. Since supporting evidence is limited at this time, the clinical significance of this alteration remains unclear.

Laboratory of Medical Genetics Unit, Bambino Gesù Children's Hospital
Classification: Uncertain significance for Diffuse midline glioma, H3 K27-altered. Last evaluated: 2018-06-04. Review status: criteria provided, single submitter. Criteria: ACMG Guidelines, 2015. Collection method: research. Allele origin: germline. Affected: yes. Observed: 1 heterozygote.

GeneDx
Classification: Uncertain significance. Last evaluated: 2018-03-29. Review status: criteria provided, single submitter. Criteria: GeneDx Variant Classification (06012015). Collection method: clinical testing. Allele origin: germline. Affected: yes.
Comment: This variant is denoted ATM c.1624T>G at the cDNA level, p.Leu542Val (L542V) at the protein level, and results in the change of a Leucine to a Valine (TTG>GTG). This variant has not, to our knowledge, been published in the literature as pathogenic or benign. ATM Leu542Val was not observed in large population cohorts (Lek 2016). This variant is not located in a known functional domain. In silico analysis, which includes protein predictors and evolutionary conservation, supports that this variant does not alter protein structure/function. Based on currently available evidence, it is unclear whether ATM Leu542Val is a pathogenic or benign variant. We consider it to be a variant of uncertain significance.